The following is an entry in ClinVar:

ClinVar aggregate classification (germline): Uncertain significance (1 of 4 stars; one submission).

Conditions:
Hereditary pheochromocytoma and paraganglioma. Also called: Hereditary pheochromocytoma-paraganglioma; Hereditary Paraganglioma-Pheochromocytoma Syndromes; Hereditary paragangliomas and pheochromocytomas. Identifiers: Orphanet 29072, MedGen C4274332, MONDO:0017366.

Submission:

All of Us Research Program, National Institutes of Health
Classification: Uncertain significance for Hereditary pheochromocytoma and paraganglioma. Last evaluated: 2023-06-08. Review status: criteria provided, single submitter. Criteria: ACMG Guidelines, 2015. Collection method: clinical testing. Allele origin: germline. Inheritance: Autosomal dominant inheritance. Observed: 1 variant allele, 1 heterozygote.
Comment: This missense variant replaces phenylalanine with cysteine at codon 89 of the SDHB protein. Computational prediction suggests that this variant may have deleterious impact on protein structure and function (internally defined REVEL score threshold >= 0.7, PMID: 27666373). To our knowledge, functional studies have not been reported for this variant. This variant has not been reported in individuals affected with SDHB-related disorders in the literature. This variant has not been identified in the general population by the Genome Aggregation Database (gnomAD). The available evidence is insufficient to determine the role of this variant in disease conclusively. Therefore, this variant is classified as a Variant of Uncertain Significance.

This study involves interpretation of variants in research participants for the purpose of population health screening. Participant phenotype was not available at the time of variant classification. Additional details can be found in publication PMID: 35346344, PMCID: PMC8962531

NM_003000.3(SDHB):c.266T>G (p.Phe89Cys)

Gene: SDHB (succinate dehydrogenase complex iron sulfur subunit B; minus strand). Cytogenetic location: 1p36.13.
Variant type: single nucleotide variant.
Coding change: c.266T>G on transcript NM_003000.3 (MANE Select); coding-DNA position 266, T replaced by G.
Protein change: p.Phe89Cys; replaces phenylalanine 89 with cysteine.
Molecular consequence: missense variant.
Genome position (GRCh38, 1-based): chr1:17,033,080, A>C on the plus strand (T>G on the coding strand, the complement: SDHB is on the minus strand). VCF-style: chr1-17033080-A-C. GRCh37 (hg19) VCF-style: chr1-17359575-A-C.
Other names: c.266T>G, p.Phe89Cys (NM_001407361.1); short protein forms F89C.
Identifiers: ClinVar variation 3071481 (VCV003071481.1), dbSNP rs2525031433, ClinGen allele CA338276451.